The following is an entry in ClinVar:

NM_001148.6(ANK2):c.10627A>G (p.Ile3543Val)

Gene: ANK2 (ankyrin 2; plus strand). Cytogenetic location: 4q26.
Variant type: single nucleotide variant.
Coding change: c.10627A>G on transcript NM_001148.6 (MANE Select); coding-DNA position 10627, A replaced by G.
Protein change: p.Ile3543Val; replaces isoleucine 3543 with valine.
Molecular consequence: missense variant. On other transcripts: intron variant (68).
Genome position (GRCh38, 1-based): chr4:113,359,245, A>G. VCF-style: chr4-113359245-A-G. GRCh37 (hg19) VCF-style: chr4-114280401-A-G.
Other names: c.10393A>G, p.Ile3465Val (NM_001386142.1); c.7027A>G, p.Ile2343Val (NM_001386166.1); c.10768A>G, p.Ile3590Val (NM_001386174.1); c.10744A>G, p.Ile3582Val (NM_001386175.1); c.4412-1578A>G (NM_001386186.2, NM_001386148.2); c.4214-1578A>G (NM_001354269.3); c.4292-1578A>G (NM_001386187.2); c.4253-1578A>G (NM_001386147.1); and 35 more; short protein forms I3543V, I2343V, I3465V, I3582V, I3590V.
Identifiers: ClinVar variation 457012 (VCV000457012.15), dbSNP rs753102215, ClinGen allele CA3052094.

ClinVar aggregate classification (germline): Conflicting classifications of pathogenicity. Review status: criteria provided, conflicting classifications (1 of 4 stars). 4 submissions from 4 submitters: Uncertain significance (3); Likely benign (1). Last evaluated 2026-01-12.

Conditions:
Cardiovascular phenotype. Identifiers: MedGen CN230736.
Cardiac arrhythmia, ankyrin-B-related. Also called: ANKYRIN-B SYNDROME. Identifiers: Orphanet 101016, Orphanet 768, MedGen C1970119, MONDO:0010958, OMIM 600919.
Long QT syndrome (LQTS). Identifiers: MedGen C0023976, MeSH D008133, MONDO:0002442. Disease mechanism: loss of function. Inheritance: Various modes of inheritance.

Allele frequency attached by ClinVar (database versions not stated): ExAC 0.00002; gnomAD exomes 0.00002 and 0.00003; gnomAD 0.00009 and 0.00010; TOPMed 0.00012.
gnomAD v4.1: 53 of 1,613,820 alleles (0.0033%); highest among the groups gnomAD compares: African/African-American, 0.021%; no homozygotes.

Submissions (4):

Labcorp Genetics (formerly Invitae), Labcorp
Classification: Uncertain significance for Long QT syndrome. Last evaluated: 2026-01-12. Review status: criteria provided, single submitter. Criteria: Invitae Variant Classification Sherloc (09022015). Collection method: clinical testing. Allele origin: germline.
Comment: This sequence change replaces isoleucine, which is neutral and non-polar, with valine, which is neutral and non-polar, at codon 3543 of the ANK2 protein (p.Ile3543Val). This variant is present in population databases (rs753102215, gnomAD 0.02%). This missense change has been observed in individual(s) with sudden unexplained death (PMID: 29247119). ClinVar contains an entry for this variant (Variation ID: 457012). An algorithm developed to predict the effect of missense changes on protein structure and function outputs the following: PolyPhen-2: "Benign". The valine amino acid residue is found in multiple mammalian species, which suggests that this missense change does not adversely affect protein function. In summary, the available evidence is currently insufficient to determine the role of this variant in disease. Therefore, it has been classified as a Variant of Uncertain Significance.

GeneDx
Classification: Uncertain significance. Last evaluated: 2024-06-20. Review status: criteria provided, single submitter. Criteria: GeneDx Variant Classification Process June 2021. Collection method: clinical testing. Allele origin: germline. Affected: yes.
Comment: Identified in a case of sudden unexplained death; detailed clinical information and segregation studies were not available (PMID: 29247119); Located in exon 38, which is reported as being expressed in a brain-specific transcript (PMID: 1830053, 18790697, 26109584); In silico analysis indicates that this missense variant does not alter protein structure/function; This variant is associated with the following publications: (PMID: 30564305, 1830053, 18790697, 26109584, 29247119)

Fulgent Genetics
Classification: Uncertain significance for Cardiac arrhythmia, ankyrin-B-related. Last evaluated: 2021-09-01. Review status: criteria provided, single submitter. Criteria: ACMG Guidelines, 2015. Collection method: clinical testing. Allele origin: unknown.

Ambry Genetics
Classification: Likely benign for Cardiovascular phenotype. Last evaluated: 2018-08-08. Review status: criteria provided, single submitter. Criteria: Ambry Variant Classification Scheme 2023. Collection method: clinical testing. Allele origin: germline.

Literature cited by the submitters: PubMed 29247119 (cited by Labcorp Genetics (formerly Invitae), Labcorp).